The following is an entry in ClinVar:

NM_006182.4(DDR2):c.1382C>T (p.Ser461Leu)

Gene: DDR2 (discoidin domain receptor tyrosine kinase 2; plus strand). Cytogenetic location: 1q23.3.
Variant type: single nucleotide variant.
Coding change: c.1382C>T on transcript NM_006182.4 (MANE Select); coding-DNA position 1382, C replaced by T.
Protein change: p.Ser461Leu; replaces serine 461 with leucine.
Molecular consequence: missense variant.
Genome position (GRCh38, 1-based): chr1:162,770,390, C>T. VCF-style: chr1-162770390-C-T. GRCh37 (hg19) VCF-style: chr1-162740180-C-T.
Other names: c.1382C>T, p.Ser461Leu (LRG_1390t1, NM_001014796.3, NM_001354982.2 and 1 more transcripts); short protein forms S461L.
Identifiers: ClinVar variation 286557 (VCV000286557.19), dbSNP rs140710321, ClinGen allele CA1217503.

ClinVar aggregate classification (germline): Conflicting classifications of pathogenicity. Review status: criteria provided, conflicting classifications (1 of 4 stars). 7 submissions from 7 submitters: Uncertain significance (1); Benign (1); Likely benign (4). 1 of the submissions does not count toward it. Last evaluated 2026-01-25.

Conditions:
DDR2-related disorder. Also called: DDR2-related condition.
Inborn genetic diseases. Identifiers: MedGen C0950123, MeSH D030342.

Allele frequency attached by ClinVar (database versions not stated): 1000 Genomes Project 30x 0.00172; 1000 Genomes Project 0.00180; gnomAD 0.00268; TOPMed 0.00279; ESP Exome Variant Server 0.00292.
gnomAD v4.1: 689 of 1,614,136 alleles (0.043%); highest among the groups gnomAD compares: African/African-American, 0.83%; 5 homozygotes.

Submissions (7):

Labcorp Genetics (formerly Invitae), Labcorp
Classification: Benign. Last evaluated: 2026-01-25. Review status: criteria provided, single submitter. Criteria: Invitae Variant Classification Sherloc (09022015). Collection method: clinical testing. Allele origin: germline.

ARUP Laboratories, Molecular Genetics and Genomics, ARUP Laboratories
Classification: Likely benign. Last evaluated: 2025-04-10. Review status: criteria provided, single submitter. Criteria: ARUP Molecular Germline Variant Investigation Process 2024. Collection method: clinical testing. Allele origin: germline.

Ambry Genetics
Classification: Uncertain significance for Inborn genetic diseases. Last evaluated: 2025-03-31. Review status: criteria provided, single submitter. Criteria: Ambry Variant Classification Scheme 2023. Collection method: clinical testing. Allele origin: germline.

Blueprint Genetics
Classification: Likely benign. Last evaluated: 2024-11-25. Review status: criteria provided, single submitter. Criteria: ACMG Guidelines, 2015. Collection method: clinical testing. Allele origin: germline.

Center for Pediatric Genomic Medicine, Children's Mercy Hospital and Clinics
Classification: Likely benign. Last evaluated: 2017-04-28. Review status: criteria provided, single submitter. Criteria: ACMG Guidelines, 2015. Collection method: clinical testing. Allele origin: germline.

Eurofins Ntd Llc (ga)
Classification: Likely benign. Last evaluated: 2016-03-04. Review status: criteria provided, single submitter. Criteria: EGL Classification Definitions 2015. Collection method: clinical testing. Allele origin: germline. Observed: 1 variant allele, 1 heterozygote.

PreventionGenetics, part of Exact Sciences
Classification: Benign for DDR2-related condition. Last evaluated: 2019-07-10. Review status: no assertion criteria provided. Collection method: clinical testing. Allele origin: germline. Not counted in ClinVar's aggregate classification.
Comment: This variant is classified as benign based on ACMG/AMP sequence variant interpretation guidelines (Richards et al. 2015 PMID: 25741868, with internal and published modifications).